The following is an entry in ClinVar:

ClinVar aggregate classification (germline): Uncertain significance (1 of 4 stars; one submission).

Submission:

Labcorp Genetics (formerly Invitae), Labcorp
Classification: Uncertain significance. Last evaluated: 2026-01-04. Review status: criteria provided, single submitter. Criteria: Invitae Variant Classification Sherloc (09022015). Collection method: clinical testing. Allele origin: germline.
Comment: This sequence change falls in intron 40 of the COL11A1 gene. It does not directly change the encoded amino acid sequence of the COL11A1 protein. It affects a nucleotide within the consensus splice site. Information on the frequency of this variant in the gnomAD database is not available, as this variant may be reported differently in the database. This variant has not been reported in the literature in individuals affected with COL11A1-related conditions. Variants that disrupt the consensus splice site are a relatively common cause of aberrant splicing (PMID: 17576681, 9536098). In summary, the available evidence is currently insufficient to determine the role of this variant in disease. Therefore, it has been classified as a Variant of Uncertain Significance.

Literature cited by the submitters: PubMed 17576681; PubMed 9536098.

NM_001854.4(COL11A1):c.3115-4_3115-3delinsGA

Gene: COL11A1 (collagen type XI alpha 1 chain; minus strand). Cytogenetic location: 1p21.1.
Variant type: Indel.
Coding change: c.3115-4_3115-3delinsGA on transcript NM_001854.4 (MANE Select); 4 bases into the intron before coding-DNA position 3115 through 3 bases into the intron before coding-DNA position 3115, CC replaced by GA.
Molecular consequence: intron variant.
Genome position (GRCh38, 1-based): chr1:102,961,922-102,961,923, GG replaced by TC on the plus strand (CC replaced by GA on the coding strand, the reverse complement: COL11A1 is on the minus strand). VCF-style: chr1-102961922-GG-TC. GRCh37 (hg19) VCF-style: chr1-103427478-GG-TC.
Other names: c.2998-4_2998-3delinsGA (NM_001190709.2); c.3151-4_3151-3delinsGA (NM_080629.3); c.2767-4_2767-3delinsGA (NM_080630.4).
Identifiers: ClinVar variation 4734700 (VCV004734700.1).